The following is an entry in ClinVar:

NM_001365276.2(TNXB):c.9164C>T (p.Pro3055Leu)

Gene: TNXB (tenascin XB; minus strand). Cytogenetic location: 6p21.33.
Variant type: single nucleotide variant.
Coding change: c.9164C>T on transcript NM_001365276.2 (MANE Select); coding-DNA position 9164, C replaced by T.
Protein change: p.Pro3055Leu; replaces proline 3055 with leucine.
Molecular consequence: missense variant.
Genome position (GRCh38, 1-based): chr6:32,050,273, G>A on the plus strand (C>T on the coding strand, the complement: TNXB is on the minus strand). VCF-style: chr6-32050273-G-A. GRCh37 (hg19) VCF-style: chr6-32018050-G-A.
Other names: p.Pro3053Leu; c.9158C>T, p.Pro3053Leu (NM_019105.8); short protein forms P3055L, P3053L.
Identifiers: ClinVar variation 1765980 (VCV001765980.6), dbSNP rs201103486, ClinGen allele CA3733613.

ClinVar aggregate classification (germline): Likely benign. Review status: criteria provided, multiple submitters, no conflicts (2 of 4 stars). 3 submissions from 3 submitters: Likely benign (3). Last evaluated 2025-10-23.

Conditions:
Cardiovascular phenotype. Identifiers: MedGen CN230736.

Allele frequency attached by ClinVar (database versions not stated): TOPMed 0.00008; ESP Exome Variant Server 0.00013; 1000 Genomes Project 30x 0.00016; gnomAD exomes 0.00037; gnomAD 0.00068; ExAC 0.00112.
gnomAD v4.1: 662 of 1,613,480 alleles (0.041%); highest among the groups gnomAD compares: Non-Finnish European, 0.013%; 7 homozygotes.

Submissions (3):

Mayo Clinic Laboratories, Mayo Clinic
Classification: Likely benign. Last evaluated: 2025-10-23. Review status: criteria provided, single submitter. Criteria: ACMG Guidelines, 2015. Collection method: clinical testing. Allele origin: germline. Observed: 1 variant allele.
Comment: BS1, BP4_moderate

Ambry Genetics
Classification: Likely benign for Cardiovascular phenotype. Last evaluated: 2025-10-21. Review status: criteria provided, single submitter. Criteria: Ambry Variant Classification Scheme 2023. Collection method: clinical testing. Allele origin: germline.

Blueprint Genetics
Classification: Likely benign. Last evaluated: 2024-11-20. Review status: criteria provided, single submitter. Criteria: ACMG Guidelines, 2015. Collection method: clinical testing. Allele origin: germline.